The following is an entry in ClinVar:

NM_004924.6(ACTN4):c.1608C>T (p.Arg536=)

Gene: ACTN4 (actinin alpha 4; plus strand). Cytogenetic location: 19q13.2.
Variant type: single nucleotide variant.
Coding change: c.1608C>T on transcript NM_004924.6 (MANE Select); coding-DNA position 1608, C replaced by T.
Protein change: p.Arg536=; no amino-acid change (arginine 536 retained).
Molecular consequence: synonymous variant.
Genome position (GRCh38, 1-based): chr19:38,723,993, C>T. VCF-style: chr19-38723993-C-T. GRCh37 (hg19) VCF-style: chr19-39214633-C-T.
Other names: p.Arg536=; c.1608C>T, p.Arg536= (NM_001322033.2).
Identifiers: ClinVar variation 259567 (VCV000259567.47), dbSNP rs139575917, ClinGen allele CA9417727.

ClinVar aggregate classification (germline): Benign/Likely benign. Review status: criteria provided, multiple submitters, no conflicts (2 of 4 stars). 11 submissions from 11 submitters: Benign (6); Likely benign (4). 1 of the submissions does not count toward it. Last evaluated 2026-01-12.

Conditions:
Focal segmental glomerulosclerosis 1 (FSGS1). Identifiers: Orphanet 656, MedGen C4551527, MONDO:0011303, OMIM 603278.
Focal segmental glomerulosclerosis (FSGS). Also called: Glomerulosclerosis, focal; Focal sclerosis with hyalinosis. Identifiers: MedGen C0017668, MONDO:0100313, HP:0000097. Disease mechanism: loss of function.

Allele frequency attached by ClinVar (database versions not stated): gnomAD 0.00232 and 0.00250; ESP Exome Variant Server 0.00238; 1000 Genomes Project 30x 0.00250; TOPMed 0.00257; 1000 Genomes Project 0.00260; ExAC 0.00333; gnomAD exomes 0.00359.
gnomAD v4.1: 4,881 of 1,613,830 alleles (0.3%); highest among the groups gnomAD compares: Middle Eastern, 4.9%; 30 homozygotes.

Submissions (11):

Labcorp Genetics (formerly Invitae), Labcorp
Classification: Benign. Last evaluated: 2026-01-12. Review status: criteria provided, single submitter. Criteria: Invitae Variant Classification Sherloc (09022015). Collection method: clinical testing. Allele origin: germline.

Mayo Clinic Laboratories, Mayo Clinic
Classification: Benign. Last evaluated: 2023-12-21. Review status: criteria provided, single submitter. Criteria: ACMG Guidelines, 2015. Collection method: clinical testing. Allele origin: germline. Observed: 2 variant alleles.
Comment: BS1, BS2, BP4, BP7

CeGaT Center for Human Genetics Tuebingen
Classification: Likely benign. Last evaluated: 2023-06-01. Review status: criteria provided, single submitter. Criteria: CeGaT Center For Human Genetics Tuebingen Variant Classification Criteria Version 2. Collection method: clinical testing. Allele origin: germline. Affected: yes. Observed: 1 variant allele.
Comment: ACTN4: BP4, BP7, BS2

Genome-Nilou Lab
Classification: Benign for Focal segmental glomerulosclerosis 1. Last evaluated: 2021-12-05. Review status: criteria provided, single submitter. Criteria: ACMG Guidelines, 2015. Collection method: clinical testing. Allele origin: germline. Affected: no.

Fulgent Genetics
Classification: Likely benign for Focal segmental glomerulosclerosis 1. Last evaluated: 2021-08-03. Review status: criteria provided, single submitter. Criteria: ACMG Guidelines, 2015. Collection method: clinical testing. Allele origin: unknown.

GeneDx
Classification: Likely benign. Last evaluated: 2021-04-14. Review status: criteria provided, single submitter. Criteria: GeneDx Variant Classification Process June 2021. Collection method: clinical testing. Allele origin: germline. Affected: yes.

Genome Diagnostics Laboratory, The Hospital for Sick Children
Classification: Benign for Focal segmental glomerulosclerosis. Last evaluated: 2020-07-23. Review status: criteria provided, single submitter. Criteria: ACMG Guidelines, 2015. Collection method: clinical testing. Allele origin: germline.

Athena Diagnostics
Classification: Benign. Last evaluated: 2018-11-13. Review status: criteria provided, single submitter. Criteria: Athena Diagnostics Criteria. Collection method: clinical testing. Allele origin: germline.

Breakthrough Genomics
Classification: Likely benign. Review status: criteria provided, single submitter. Criteria: ACMG Guidelines, 2015. Collection method: not provided. Allele origin: germline. Inheritance: Autosomal dominant inheritance. Affected: yes.

PreventionGenetics, part of Exact Sciences
Classification: Benign. Review status: criteria provided, single submitter. Criteria: ACMG Guidelines, 2015. Collection method: clinical testing. Allele origin: germline.

Genetic Services Laboratory, University of Chicago
Classification: Likely benign. Last evaluated: 2022-05-06. Review status: no assertion criteria provided. Collection method: clinical testing. Allele origin: germline. Affected: no. Not counted in ClinVar's aggregate classification.